The following is an entry in ClinVar:

ClinVar aggregate classification (germline): Uncertain significance (1 of 4 stars; one submission).

Conditions:
Neuroblastoma, susceptibility to, 3. Also called: ALK-Related Neuroblastic Tumor Susceptibility. Identifiers: Orphanet 635, MedGen C2751681, MONDO:0013083, OMIM 613014.

Submission:

Labcorp Genetics (formerly Invitae), Labcorp
Classification: Uncertain significance for Neuroblastoma, susceptibility to, 3. Last evaluated: 2022-11-08. Review status: criteria provided, single submitter. Criteria: Invitae Variant Classification Sherloc (09022015). Collection method: clinical testing. Allele origin: germline.
Comment: This sequence change replaces alanine, which is neutral and non-polar, with glycine, which is neutral and non-polar, at codon 363 of the ALK protein (p.Ala363Gly). This variant is not present in population databases (gnomAD no frequency). In summary, the available evidence is currently insufficient to determine the role of this variant in disease. Therefore, it has been classified as a Variant of Uncertain Significance. Algorithms developed to predict the effect of missense changes on protein structure and function are either unavailable or do not agree on the potential impact of this missense change (SIFT: "Tolerated"; PolyPhen-2: "Possibly Damaging"; Align-GVGD: "Class C0"). This variant has not been reported in the literature in individuals affected with ALK-related conditions.

NM_004304.5(ALK):c.1088C>G (p.Ala363Gly)

Gene: ALK (ALK receptor tyrosine kinase; minus strand). Cytogenetic location: 2p23.2.
Variant type: single nucleotide variant.
Coding change: c.1088C>G on transcript NM_004304.5 (MANE Select); coding-DNA position 1088, C replaced by G.
Protein change: p.Ala363Gly; replaces alanine 363 with glycine.
Molecular consequence: missense variant.
Genome position (GRCh38, 1-based): chr2:29,531,981, G>C on the plus strand (C>G on the coding strand, the complement: ALK is on the minus strand). VCF-style: chr2-29531981-G-C. GRCh37 (hg19) VCF-style: chr2-29754847-G-C.
Other names: short protein forms A363G.
Identifiers: ClinVar variation 2918870 (VCV002918870.3), dbSNP rs2148158568, ClinGen allele CA346587297.
Genomic context (GRCh38, chr2:29,531,981, plus strand): 5'-TTCCCTGGAGTGGGCATCAGGAGGATCTCTCTTGCAGCCTCGTTGTGGGGCAGCAGCTGG[G>C]CAATGTACCTTCCAGAGGGCTGCAGGTGCCTGTGCACCGAGACGGCCAGTGTGCAGTGCT-3'
Protein context (NP_004295.2, residues 353-373): RHLQPSGRYI[Ala363Gly]QLLPHNEAAR